The following is an entry in ClinVar:

ClinVar aggregate classification (germline): Uncertain significance (1 of 4 stars; one submission).

Conditions:
Immunodeficiency-centromeric instability-facial anomalies syndrome 2 (ICF2). Identifiers: Orphanet 2268, MedGen C3279748, MONDO:0013553, OMIM 614069.

Allele frequency attached by ClinVar (database versions not stated): gnomAD exomes below 0.00001.

Submission:

Labcorp Genetics (formerly Invitae), Labcorp
Classification: Uncertain significance for Immunodeficiency-centromeric instability-facial anomalies syndrome 2. Last evaluated: 2022-07-26. Review status: criteria provided, single submitter. Criteria: Invitae Variant Classification Sherloc (09022015). Collection method: clinical testing. Allele origin: germline.
Comment: Algorithms developed to predict the effect of missense changes on protein structure and function are either unavailable or do not agree on the potential impact of this missense change (SIFT: "Not Available"; PolyPhen-2: "Benign"; Align-GVGD: "Not Available"). ClinVar contains an entry for this variant (Variation ID: 947327). In summary, the available evidence is currently insufficient to determine the role of this variant in disease. Therefore, it has been classified as a Variant of Uncertain Significance. This variant has not been reported in the literature in individuals affected with ZBTB24-related conditions. This variant is not present in population databases (gnomAD no frequency). This sequence change replaces alanine, which is neutral and non-polar, with threonine, which is neutral and polar, at codon 213 of the ZBTB24 protein (p.Ala213Thr).

NM_014797.3(ZBTB24):c.637G>A (p.Ala213Thr)

Gene: ZBTB24 (zinc finger and BTB domain containing 24; minus strand). Cytogenetic location: 6q21.
Variant type: single nucleotide variant.
Coding change: c.637G>A on transcript NM_014797.3 (MANE Select); coding-DNA position 637, G replaced by A.
Protein change: p.Ala213Thr; replaces alanine 213 with threonine.
Molecular consequence: missense variant.
Genome position (GRCh38, 1-based): chr6:109,481,390, C>T on the plus strand (G>A on the coding strand, the complement: ZBTB24 is on the minus strand). VCF-style: chr6-109481390-C-T. GRCh37 (hg19) VCF-style: chr6-109802593-C-T.
Other names: c.637G>A, p.Ala213Thr (NM_001164313.2); short protein forms A213T.
Identifiers: ClinVar variation 947327 (VCV000947327.9), dbSNP rs1776409512, ClinGen allele CA365208971.